The following is an entry in ClinVar:

ClinVar aggregate classification (germline): Uncertain significance (1 of 4 stars; one submission).

Conditions:
Metachromatic leukodystrophy (MLD). Also called: METACHROMATIC LEUKOENCEPHALOPATHY; Arylsulfatase A Deficiency; SULFATIDE LIPIDOSIS; ARSA DEFICIENCY; CEREBROSIDE SULFATASE DEFICIENCY; Cerebral sclerosis diffuse metachromatic form. Identifiers: Orphanet 512, MedGen C0023522, MONDO:0018868, OMIM 250100.

Allele frequency attached by ClinVar (database versions not stated): gnomAD 0.00001; gnomAD exomes 0.00001; TOPMed 0.00001.
gnomAD v4.1: 8 of 1,608,602 alleles (0.0005%); highest among the groups gnomAD compares: Middle Eastern, 0.017%; no homozygotes.

Submission:

Labcorp Genetics (formerly Invitae), Labcorp
Classification: Uncertain significance for Metachromatic leukodystrophy. Last evaluated: 2022-05-28. Review status: criteria provided, single submitter. Criteria: Invitae Variant Classification Sherloc (09022015). Collection method: clinical testing. Allele origin: germline.
Comment: This sequence change replaces proline, which is neutral and non-polar, with serine, which is neutral and polar, at codon 485 of the ARSA protein (p.Pro485Ser). This variant is present in population databases (no rsID available, gnomAD 0.007%). This variant has not been reported in the literature in individuals affected with ARSA-related conditions. Advanced modeling of protein sequence and biophysical properties (such as structural, functional, and spatial information, amino acid conservation, physicochemical variation, residue mobility, and thermodynamic stability) performed at Invitae indicates that this missense variant is expected to disrupt ARSA protein function. In summary, the available evidence is currently insufficient to determine the role of this variant in disease. Therefore, it has been classified as a Variant of Uncertain Significance.

NM_000487.6(ARSA):c.1453C>T (p.Pro485Ser)

Gene: ARSA (arylsulfatase A; minus strand). Cytogenetic location: 22q13.33.
Variant type: single nucleotide variant.
Coding change: c.1453C>T on transcript NM_000487.6 (MANE Select); coding-DNA position 1453, C replaced by T.
Protein change: p.Pro485Ser; replaces proline 485 with serine.
Molecular consequence: missense variant.
Genome position (GRCh38, 1-based): chr22:50,625,222, G>A on the plus strand (C>T on the coding strand, the complement: ARSA is on the minus strand). VCF-style: chr22-50625222-G-A. GRCh37 (hg19) VCF-style: chr22-51063650-G-A.
Other names: c.1453C>T, p.Pro485Ser (NM_001085425.3, NM_001085426.3, NM_001085427.3); c.1195C>T, p.Pro399Ser (NM_001085428.3, NM_001362782.2); short protein forms P399S, P485S.
Identifiers: ClinVar variation 2141710 (VCV002141710.3), dbSNP rs1347044181, ClinGen allele CA412167379.
Genomic context (GRCh38, chr22:50,625,222, plus strand): 5'-GGCAATGGCAGCAAGCTGGGCGGGGGGTGCAGCCAGGATGACAGCAGATCTGCAGGGCGG[G>A]GTCCTCGCCCCGGGCCACCTGGCTGGGGCCGAAGGTCACAGCTGCGTCTAACTGGGCCTT-3'
Protein context (NP_000478.3, residues 475-495): GPSQVARGED[Pro485Ser]ALQICCHPGC